The following is an entry in ClinVar:

NM_015599.3(PGM3):c.1381G>C (p.Val461Leu)

Genes: DOP1A (DOP1 leucine zipper like protein A; plus strand), PGM3 (phosphoglucomutase 3; minus strand). Cytogenetic location: 6q14.1.
Variant type: single nucleotide variant.
Coding change: c.1381G>C on transcript NM_015599.3 (MANE Select); coding-DNA position 1381, G replaced by C.
Protein change: p.Val461Leu; replaces valine 461 with leucine.
Molecular consequence: missense variant. On other transcripts: non-coding transcript variant (2).
Genome position (GRCh38, 1-based): chr6:83,170,463, C>G on the plus strand (G>C on the coding strand, the complement: PGM3 is on the minus strand). VCF-style: chr6-83170463-C-G. GRCh37 (hg19) VCF-style: chr6-83880182-C-G.
Other names: c.1258G>C, p.Val420Leu (NM_001367286.1); c.1465G>C, p.Val489Leu (NM_001367287.1, NM_001199917.2); c.1138G>C, p.Val380Leu (NM_001199918.2); c.1381G>C, p.Val461Leu (NM_001199919.2); c.1465G>C (NM_001199917.1); short protein forms V420L, V380L, V461L, V489L.
Identifiers: ClinVar variation 2072198 (VCV002072198.6), dbSNP rs1469862471, ClinGen allele CA364878706.
Genomic context (GRCh38, chr6:83,170,463, plus strand): 5'-TTGCCTCCTGTAATCCTGGGGGTGTAACTGCTTGTCTTTCAGCATCGGTAGTGCTAATAA[C>G]TCTCCTGTCTGCAACCTAAGTGCAAGCATTTCATATTTGTTACTCTATTACACTTCCTTT-3'
Protein context (NP_056414.1, residues 451-471): QLKVQVADRR[Val461Leu]ISTTDAERQA

ClinVar aggregate classification (germline): Uncertain significance. Review status: criteria provided, multiple submitters, no conflicts (2 of 4 stars). 2 submissions from 2 submitters: Uncertain significance (2). Last evaluated 2023-02-16.

Conditions:
Inborn genetic diseases. Identifiers: MedGen C0950123, MeSH D030342.
Immunodeficiency 23 (IMD23). Also called: IMMUNODEFICIENCY WITH HYPER IgE AND COGNITIVE IMPAIRMENT; IMMUNODEFICIENCY-VASCULITIS-MYOCLONUS SYNDROME. Identifiers: Orphanet 443811, MedGen C4014371, MONDO:0014353, OMIM 615816.

gnomAD v4.1: 1 of 1,613,930 alleles (0.000062%); no homozygotes.

Submissions (2):

Ambry Genetics
Classification: Uncertain significance for Inborn genetic diseases. Last evaluated: 2023-02-16. Review status: criteria provided, single submitter. Criteria: Ambry Variant Classification Scheme 2023. Collection method: clinical testing. Allele origin: germline.

Labcorp Genetics (formerly Invitae), Labcorp
Classification: Uncertain significance for Immunodeficiency 23. Last evaluated: 2022-06-22. Review status: criteria provided, single submitter. Criteria: Invitae Variant Classification Sherloc (09022015). Collection method: clinical testing. Allele origin: germline.
Comment: In summary, the available evidence is currently insufficient to determine the role of this variant in disease. Therefore, it has been classified as a Variant of Uncertain Significance. Algorithms developed to predict the effect of missense changes on protein structure and function output the following: SIFT: "Deleterious"; PolyPhen-2: "Benign"; Align-GVGD: "Class C0". The leucine amino acid residue is found in multiple mammalian species, which suggests that this missense change does not adversely affect protein function. This variant has not been reported in the literature in individuals affected with PGM3-related conditions. This variant is not present in population databases (gnomAD no frequency). This sequence change replaces valine, which is neutral and non-polar, with leucine, which is neutral and non-polar, at codon 489 of the PGM3 protein (p.Val489Leu).